The following is an entry in ClinVar:

ClinVar aggregate classification (germline): Uncertain significance. Review status: criteria provided, multiple submitters, no conflicts (2 of 4 stars). 2 submissions from 2 submitters: Uncertain significance (2). Last evaluated 2024-03-07.

Conditions:
Cardiomyopathy (CMYO). Also called: Cardiomyopathies. Identifiers: Orphanet 167848, MedGen C0878544, MONDO:0004994, HP:0001638. Inheritance: Various modes of inheritance.
Arrhythmogenic right ventricular dysplasia 5. Also called: Arrhythmogenic Right Ventricular Dysplasia/Cardiomyopathy 5; ARRHYTHMOGENIC RIGHT VENTRICULAR DYSPLASIA, FAMILIAL, 5. Identifiers: MedGen C1858379, MONDO:0011459, OMIM 604400.

Allele frequency attached by ClinVar (database versions not stated): gnomAD below 0.00001 and 0.00001; ExAC 0.00003.
gnomAD v4.1: 9 of 1,612,678 alleles (0.00056%); highest among the groups gnomAD compares: South Asian, 0.0099%; no homozygotes.

Submissions (2):

Color Diagnostics, LLC DBA Color Health
Classification: Uncertain significance for Cardiomyopathy. Last evaluated: 2024-03-07. Review status: criteria provided, single submitter. Criteria: ACMG Guidelines, 2015. Collection method: clinical testing. Allele origin: germline.
Comment: This missense variant replaces leucine with proline at codon 248 of the TMEM43 protein. Computational prediction suggests that this variant may not impact protein structure and function (internally defined REVEL score threshold <= 0.5, PMID: 27666373). Splice site prediction tools suggest that this variant may not impact RNA splicing. To our knowledge, functional studies have not been performed for this variant. This variant has not been reported in individuals affected with cardiovascular disorders in the literature. This variant has been identified in 3/249998 chromosomes in the general population by the Genome Aggregation Database (gnomAD). The available evidence is insufficient to determine the role of this variant in disease conclusively. Therefore, this variant is classified as a Variant of Uncertain Significance.

Labcorp Genetics (formerly Invitae), Labcorp
Classification: Uncertain significance for Arrhythmogenic right ventricular dysplasia 5. Last evaluated: 2020-02-19. Review status: criteria provided, single submitter. Criteria: Invitae Variant Classification Sherloc (09022015). Collection method: clinical testing. Allele origin: germline.
Comment: This sequence change replaces leucine with proline at codon 248 of the TMEM43 protein (p.Leu248Pro). The leucine residue is moderately conserved and there is a moderate physicochemical difference between leucine and proline. This variant is present in population databases (rs774356401, ExAC 0.02%). This variant has not been reported in the literature in individuals with TMEM43-related conditions. Algorithms developed to predict the effect of missense changes on protein structure and function are either unavailable or do not agree on the potential impact of this missense change (SIFT: "Deleterious"; PolyPhen-2: "Possibly Damaging"; Align-GVGD: "Class C0"). In summary, the available evidence is currently insufficient to determine the role of this variant in disease. Therefore, it has been classified as a Variant of Uncertain Significance.

NM_024334.3(TMEM43):c.743T>C (p.Leu248Pro)

Gene: TMEM43 (transmembrane protein 43; plus strand). Cytogenetic location: 3p25.1.
Variant type: single nucleotide variant.
Coding change: c.743T>C on transcript NM_024334.3 (MANE Select); coding-DNA position 743, T replaced by C.
Protein change: p.Leu248Pro; replaces leucine 248 with proline.
Molecular consequence: missense variant.
Genome position (GRCh38, 1-based): chr3:14,135,195, T>C. VCF-style: chr3-14135195-T-C. GRCh37 (hg19) VCF-style: chr3-14176695-T-C.
Other names: short protein forms L248P.
Identifiers: ClinVar variation 920500 (VCV000920500.11), dbSNP rs774356401, ClinGen allele CA055207.